The following is an entry in ClinVar:

NM_001267550.2(TTN):c.11254+1G>C

Gene: TTN (titin; minus strand). Cytogenetic location: 2q31.2.
Variant type: single nucleotide variant.
Coding change: c.11254+1G>C on transcript NM_001267550.2 (MANE Select); the canonical splice donor site of the intron after coding-DNA position 11254, G replaced by C.
Molecular consequence: splice donor variant. On other transcripts: intron variant (5).
Genome position (GRCh38, 1-based): chr2:178,756,221, C>G on the plus strand (G>C on the coding strand, the complement: TTN is on the minus strand). VCF-style: chr2-178756221-C-G. GRCh37 (hg19) VCF-style: chr2-179620948-C-G.
Other names: c.10165+2763G>C (NM_003319.4); c.10741+1G>C (NM_133437.4); c.10540+1321G>C (NM_133432.3); c.10303+2763G>C (NM_133378.4, NM_001256850.1, NM_133379.5); c.11254+1G>C (NM_001267550.1).
Identifiers: ClinVar variation 3350476 (VCV003350476.4).

ClinVar aggregate classification (germline): Conflicting classifications of pathogenicity. Review status: criteria provided, conflicting classifications (1 of 4 stars). 3 submissions from 3 submitters: Likely pathogenic (1); Uncertain significance (2). Last evaluated 2026-06-01.

Conditions:
Early-onset myopathy with fatal cardiomyopathy (CMYO5). Also called: Salih Myopathy; CONGENITAL MYOPATHY 5 WITH CARDIOMYOPATHY. Identifiers: Orphanet 289377, MedGen C2673677, MONDO:0012714, OMIM 611705. Disease mechanism: loss of function.
TTN-related disorder. Also called: TTN-related condition; TTN-related disease; TTN-related disorders.

gnomAD v4.1: 23 of 1,589,366 alleles (0.0014%); highest among the groups gnomAD compares: South Asian, 0.016%; no homozygotes.

Submissions (3):

PreventionGenetics, part of Exact Sciences
Classification: Uncertain significance for TTN-related condition. Last evaluated: 2026-06-01. Review status: criteria provided, single submitter. Criteria: ACMG Guidelines, 2015. Collection method: clinical testing. Allele origin: germline.
Comment: The TTN c.11254+1G>C variant is predicted to disrupt the GT donor site and interfere with normal splicing. This variant has been reported as an incidental truncating variant finding using another transcript (c.10741+1G>C, NM_133437) in a patient from an exome sequencing cohort (Supplemental Table 1, Connell et al. 2021. PubMed ID:33226272). This variant is located in the TTN protein I-band region. RNAseq studies from heart tissue indicate this exon is not commonly included in TTN mRNA transcripts (PSI of 4%). TTN truncating variants in the heterozygous state are reported in 1-2% of presumably healthy individuals and occur more frequently in exons with low PSI values, indicating this variant is less likely to cause TTN-related cardiac disorders (Roberts et al. 2015. PubMed ID: 25589632; Herman et al. 2012. PubMed ID: 22335739). This variant is reported in 0.021% of alleles in individuals of East Asian descent in gnomAD. At this time, the clinical significance of this variant is uncertain due to the absence of conclusive functional and genetic evidence.

Victorian Clinical Genetics Services, Murdoch Childrens Research Institute
Classification: Uncertain significance for Early-onset myopathy with fatal cardiomyopathy. Last evaluated: 2024-09-19. Review status: criteria provided, single submitter. Criteria: ACMG Guidelines, 2015. Collection method: clinical testing. Allele origin: germline. Inheritance: Autosomal recessive inheritance. Affected: yes.
Comment: Based on the classification scheme VCGS_Germline_v1.3.4, this variant is classified as VUS-3B. Following criteria are met: 0102 - Loss of function is known mechanism of disease in this gene. In addition, dominant-negative is also a suggested mechanism. (PMID: 25589632). (I) 0108 - This gene is associated with both recessive and dominant disease (OMIM). (I) 0112 - The condition associated with this gene has incomplete penetrance. Variants in this gene that result in a premature termination codon (PTC) are known to have reduced penetrance in DCM (PMID: 25589632). (I) 0211 - Canonical splice site variant without proven consequence on splicing (no functional evidence available). (SP) 0219 - This variant is non-coding in an alternative transcript. This variant is only coding in the Meta-transcript NM_001267550.1 and NM_133437.4, but is not coding in the cardiac (NM_003319.4) or skeletal muscle (NM_133378.4) transcripts. However recent literature has shown an association between variants only coding in the Meta-transcript and autosomal recessive congenital titinopathy (PMID: 32778822). (I) 0251 - This variant is heterozygous. (I) 0304 - Variant is present in gnomAD (v3) <0.01 for a recessive condition (10 heterozygote, 0 homozygotes). (SP) 0311 - An alternative nucleotide changes at the same canonical splice site is present in gnomAD (v3) (201 heterozygotes, 1 homozygote). (I) 0506 - Abnormal splicing is not predicted and nucleotide is poorly conserved. (SB) 0710 - Another canonical splice variant comparable to the one identified in this case has inconclusive previous evidence for pathogenicity. c.11254+2T>C has been classified as benign, likely benign and a VUS by clinical laboratories in ClinVar. (I) 0803 - This variant has limited previous evidence of pathogenicity in an unrelated individual. This variant has been classified as likely pathogenic in an individual with dilated cardiomyopathy (PMID: 37461109). (SP) 0905 - No published segregation evidence has been identified for this variant. (I) 1007 - No published functional evidence has been identified for this variant. (I) Legend: (SP) - Supporting pathogenic, (I) - Information, (SB) - Supporting benign

3billion
Classification: Likely pathogenic for Early-onset myopathy with fatal cardiomyopathy. Last evaluated: 2023-06-19. Review status: criteria provided, single submitter. Criteria: ACMG Guidelines, 2015. Collection method: clinical testing. Allele origin: germline. Affected: yes.
Comment: The variant is observed at an extremely low frequency in the gnomAD v2.1.1 dataset (total allele frequency: 0.002%). Predicted Consequence/Location: Canonical splice site: predicted to alter splicing and result in a loss or disruption of normal protein function. Multiple pathogenic loss-of-function variants are reported downstream of the variant. Therefore, this variant is classified as Likely pathogenic according to the recommendation of ACMG/AMP guideline.

Literature cited by the submitters: PubMed 25589632 (cited by Victorian Clinical Genetics Services, Murdoch Childrens Research Institute); PubMed 32778822 (cited by Victorian Clinical Genetics Services, Murdoch Childrens Research Institute); PubMed 37461109 (cited by Victorian Clinical Genetics Services, Murdoch Childrens Research Institute).